The following is an entry in ClinVar:

NM_004991.4(MECOM):c.2426C>T (p.Pro809Leu)

Gene: MECOM (MDS1 and EVI1 complex locus; minus strand). Cytogenetic location: 3q26.2.
Variant type: single nucleotide variant.
Coding change: c.2426C>T on transcript NM_004991.4 (MANE Select); coding-DNA position 2426, C replaced by T.
Protein change: p.Pro809Leu; replaces proline 809 with leucine.
Molecular consequence: missense variant.
Genome position (GRCh38, 1-based): chr3:169,115,446, G>A on the plus strand (C>T on the coding strand, the complement: MECOM is on the minus strand). VCF-style: chr3-169115446-G-A. GRCh37 (hg19) VCF-style: chr3-168833234-G-A.
Other names: c.2057C>T, p.Pro686Leu (NM_001105077.4); c.1862C>T, p.Pro621Leu (NM_001105078.4, NM_001164000.2, NM_001205194.2 and 4 more transcripts); c.1865C>T, p.Pro622Leu (NM_001163999.2, NM_001366467.2, NM_001366468.2 and 1 more transcripts); c.2426C>T, p.Pro809Leu (NM_001366466.2); c.1454C>T, p.Pro485Leu (NM_001366473.2); c.890C>T, p.Pro297Leu (NM_001366474.2); short protein forms P485L, P297L, P621L, P622L, P686L, P809L.
Identifiers: ClinVar variation 3871697 (VCV003871697.2).

ClinVar aggregate classification (germline): Uncertain significance. Review status: criteria provided, multiple submitters, no conflicts (2 of 4 stars). 2 submissions from 2 submitters: Uncertain significance (2). Last evaluated 2025-06-19.

Conditions:
Inborn genetic diseases. Identifiers: MedGen C0950123, MeSH D030342.

gnomAD v4.1: 5 of 1,614,212 alleles (0.00031%); highest among the groups gnomAD compares: African/African-American, 0.0053%; no homozygotes.

Submissions (2):

Labcorp Genetics (formerly Invitae), Labcorp
Classification: Uncertain significance. Last evaluated: 2025-06-19. Review status: criteria provided, single submitter. Criteria: Invitae Variant Classification Sherloc (09022015). Collection method: clinical testing. Allele origin: germline.
Comment: This sequence change replaces proline, which is neutral and non-polar, with leucine, which is neutral and non-polar, at codon 621 of the MECOM protein (p.Pro621Leu). This variant is present in population databases (rs557302760, gnomAD 0.02%). This variant has not been reported in the literature in individuals affected with MECOM-related conditions. ClinVar contains an entry for this variant (Variation ID: 3871697). An algorithm developed to predict the effect of missense changes on protein structure and function (PolyPhen-2) suggests that this variant is likely to be tolerated. In summary, the available evidence is currently insufficient to determine the role of this variant in disease. Therefore, it has been classified as a Variant of Uncertain Significance.

Ambry Genetics
Classification: Uncertain significance for Inborn genetic diseases. Last evaluated: 2025-01-11. Review status: criteria provided, single submitter. Criteria: Ambry Variant Classification Scheme 2023. Collection method: clinical testing. Allele origin: germline.
Comment: The p.P809L variant (also known as c.2426C>T), located in coding exon 8 of the MECOM gene, results from a C to T substitution at nucleotide position 2426. The proline at codon 809 is replaced by leucine, an amino acid with similar properties. This amino acid position is conserved. In addition, this alteration is predicted to be tolerated by in silico analysis. Based on the available evidence, the clinical significance of this variant remains unclear.